The following is an entry in ClinVar:

NM_177972.3(TUB):c.253+5A>G

Gene: TUB (TUB bipartite transcription factor; plus strand). Cytogenetic location: 11p15.4.
Variant type: single nucleotide variant.
Coding change: c.253+5A>G on transcript NM_177972.3 (MANE Select); 5 bases into the intron after coding-DNA position 253, A replaced by G.
Molecular consequence: intron variant.
Genome position (GRCh38, 1-based): chr11:8,090,236, A>G. VCF-style: chr11-8090236-A-G. GRCh37 (hg19) VCF-style: chr11-8111783-A-G.
Other names: c.418+5A>G (NM_003320.5).
Identifiers: ClinVar variation 3350560 (VCV003350560.2).
Genomic context (GRCh38, chr11:8,090,236, plus strand): 5'-ACAAGCCCCCCTGGTGGAGTCCTACCTCAGCAGCAGTGGCAGCACCAGCTACCAAGGTAT[A>G]CCTTGCCTGCTGCCCCACATCCCGTCACTGCTTCGGGGAGCCCGTCACTTCCTGCCCACC-3'

ClinVar aggregate classification (germline): Likely benign (1 of 4 stars; one submission).

Conditions:
TUB-related disorder. Also called: TUB-related condition.

Submission:

PreventionGenetics, part of Exact Sciences
Classification: Likely benign for TUB-related condition. Last evaluated: 2025-02-05. Review status: criteria provided, single submitter. Criteria: ACMG Guidelines, 2015. Collection method: clinical testing. Allele origin: germline.
Comment: This variant is classified as likely benign based on ACMG/AMP sequence variant interpretation guidelines (Richards et al. 2015 PMID: 25741868, with internal and published modifications).